The following is an entry in ClinVar:

ClinVar aggregate classification (germline): Uncertain significance (1 of 4 stars; one submission).

Conditions:
Progressive sclerosing poliodystrophy (MTDPS4A). Also called: Mitochondrial DNA Depletion Syndrome 4A; ALPERS PROGRESSIVE INFANTILE POLIODYSTROPHY; NEURONAL DEGENERATION OF CHILDHOOD WITH LIVER DISEASE, PROGRESSIVE; Mitochondrial DNA depletion syndrome 4A (Alpers type); Alpers-Huttenlocher Syndrome (AHS); Alpers Syndrome. Identifiers: Orphanet 726, MedGen C0205710, MONDO:0008758, OMIM 203700.

Submission:

Labcorp Genetics (formerly Invitae), Labcorp
Classification: Uncertain significance for Progressive sclerosing poliodystrophy. Last evaluated: 2021-12-20. Review status: criteria provided, single submitter. Criteria: Invitae Variant Classification Sherloc (09022015). Collection method: clinical testing. Allele origin: germline.
Comment: This sequence change replaces alanine, which is neutral and non-polar, with glycine, which is neutral and non-polar, at codon 1217 of the POLG protein (p.Ala1217Gly). This variant is present in population databases (no rsID available, gnomAD 0.0009%). This variant has not been reported in the literature in individuals affected with POLG-related conditions. Algorithms developed to predict the effect of missense changes on protein structure and function are either unavailable or do not agree on the potential impact of this missense change (SIFT: "Deleterious"; PolyPhen-2: "Probably Damaging"; Align-GVGD: "Class C0"). In summary, the available evidence is currently insufficient to determine the role of this variant in disease. Therefore, it has been classified as a Variant of Uncertain Significance.

NM_002693.3(POLG):c.3650C>G (p.Ala1217Gly)

Genes: FANCI (FA complementation group I; plus strand), POLG (DNA polymerase gamma, catalytic subunit; minus strand). Cytogenetic location: 15q26.1.
Variant type: single nucleotide variant.
Coding change: c.3650C>G on transcript NM_002693.3 (MANE Select); coding-DNA position 3650, C replaced by G.
Protein change: p.Ala1217Gly; replaces alanine 1217 with glycine.
Molecular consequence: missense variant. On other transcripts: 3 prime UTR variant (4).
Genome position (GRCh38, 1-based): chr15:89,316,821, G>C on the plus strand (C>G on the coding strand, the complement: POLG is on the minus strand). VCF-style: chr15-89316821-G-C. GRCh37 (hg19) VCF-style: chr15-89860052-G-C.
Other names: c.*362G>C (NM_001113378.2, NM_001376910.1, NM_001376911.1 and 1 more transcripts); c.3650C>G, p.Ala1217Gly (NM_001126131.2); short protein forms A1217G.
Identifiers: ClinVar variation 1977873 (VCV001977873.2), dbSNP rs199751339, ClinGen allele CA393747045.